The following is an entry in ClinVar:

NM_003060.4(SLC22A5):c.34G>A (p.Gly12Ser)

Gene: SLC22A5 (solute carrier family 22 member 5; plus strand). Cytogenetic location: 5q31.1.
Variant type: single nucleotide variant.
Coding change: c.34G>A on transcript NM_003060.4 (MANE Select); coding-DNA position 34, G replaced by A.
Protein change: p.Gly12Ser; replaces glycine 12 with serine.
Molecular consequence: missense variant.
Genome position (GRCh38, 1-based): chr5:132,370,006, G>A. VCF-style: chr5-132370006-G-A. GRCh37 (hg19) VCF-style: chr5-131705698-G-A.
Other names: c.34G>A, p.Gly12Ser (NM_001308122.2); c.34G>A (NM_001308122.1).
Identifiers: ClinVar variation 25349 (VCV000025349.57), dbSNP rs139203363, ClinGen allele CA312960.

ClinVar aggregate classification (germline): Conflicting classifications of pathogenicity. Review status: criteria provided, conflicting classifications (1 of 4 stars). 24 submissions from 24 submitters: Pathogenic (2); Likely pathogenic (5); Uncertain significance (16). 1 of the submissions does not count toward it. Last evaluated 2026-04-15.

Conditions:
SLC22A5-related disorder. Also called: SLC22A5-related condition.
Decreased circulating carnitine concentration. Also called: Decreased plasma carnitine. Identifiers: MedGen C5848230, HP:0003234.
Renal carnitine transport defect (CDSP). Also called: Carnitine transporter deficiency; Carnitine Deficiency, Systemic; Primary carnitine deficiency; Systemic primary carnitine deficiency; CARNITINE DEFICIENCY, SYSTEMIC, DUE TO DEFECT IN RENAL REABSORPTION OF CARNITINE; CARNITINE TRANSPORTER, PLASMA-MEMBRANE, DEFICIENCY OF. Identifiers: Orphanet 158, MedGen C0342788, MONDO:0008919, OMIM 212140.

Allele frequency attached by ClinVar (database versions not stated): 1000 Genomes Project 30x 0.00016; 1000 Genomes Project 0.00020; TOPMed 0.00060; ExAC 0.00063; gnomAD 0.00065 and 0.00066; gnomAD exomes 0.00071 and 0.00086; ESP Exome Variant Server 0.00108.
gnomAD v4.1: 1,362 of 1,613,304 alleles (0.084%); highest among the groups gnomAD compares: Non-Finnish European, 0.099%; 3 homozygotes.

Submissions 1 to 12 of 24:

Dasa
Classification: Likely pathogenic. Last evaluated: 2026-04-15. Review status: criteria provided, single submitter. Criteria: DASA Assertion Criteria. Collection method: clinical testing. Allele origin: germline.
Comment: NM_003060.4(SLC22A5):c.34G>A (p.Gly12Ser) is a missense variant that results in the substitution of glycine with serine. This variant has been recurrently observed in individuals with SLC22A5-related disorders (PMID: 20574985; PMID: 28841266; PMID: 26350513). Functional evidence supports an impact on the gene or gene product. Also, this variant is rare in population databases. Computational evidence supports a deleterious effect. Based on the currently available evidence, this variant is classified as likely pathogenic.

Labcorp Genetics (formerly Invitae), Labcorp
Classification: Pathogenic for Renal carnitine transport defect. Last evaluated: 2026-02-01. Review status: criteria provided, single submitter. Criteria: Invitae Variant Classification Sherloc (09022015). Collection method: clinical testing. Allele origin: germline.
Comment: This sequence change replaces glycine, which is neutral and non-polar, with serine, which is neutral and polar, at codon 12 of the SLC22A5 protein (p.Gly12Ser). This variant is present in population databases (rs139203363, gnomAD 0.1%), and has an allele count higher than expected for a pathogenic variant. This missense change has been observed in individual(s) with primary carnitine deficiency (PMID: 20574985, 28841266; internal data). In at least one individual the data is consistent with being in trans (on the opposite chromosome) from a pathogenic variant. ClinVar contains an entry for this variant (Variation ID: 25349). Invitae Evidence Modeling of protein sequence and biophysical properties (such as structural, functional, and spatial information, amino acid conservation, physicochemical variation, residue mobility, and thermodynamic stability) indicates that this missense variant is expected to disrupt SLC22A5 protein function with a positive predictive value of 95%. For these reasons, this variant has been classified as Pathogenic.

PreventionGenetics, part of Exact Sciences
Classification: Uncertain significance for SLC22A5-related condition. Last evaluated: 2025-12-02. Review status: criteria provided, single submitter. Criteria: ACMG Guidelines, 2015. Collection method: clinical testing. Allele origin: germline.
Comment: The SLC22A5 c.34G>A variant is predicted to result in the amino acid substitution p.Gly12Ser. This variant has been reported in individuals with features of primary carnitine deficiency, including in the compound heterozygous state (Frigeni et al. 2017. PubMed ID: 28841266; Jakoby et al. 2021. PubMed ID: 34032155; Barbosa-Gouveia et al. 2021. PubMed ID: 34440436). It has also been reported in the heterozyous state in several cases of sudden infant death (SIDS) or "SIDS-like episodes" (Li et al. 2010. PubMed ID: 20574985; Hertz et al. 2015. PubMed ID: 26350513; Neubauer et al. 2017. PubMed ID: 28074886). Functional studies in CHO and HEK293T cells indicate that the p.Gly12Ser variant results in ~50% residual carnitine transport activity compared to wildtype (Frigeni et al. 2017. PubMed ID: 28841266; Koleske et al. 2022. PubMed ID: 36343260). This variant is reported in 0.10% of alleles in individuals of European (Finnish) descent in gnomAD. At this time, the clinical significance of this variant is uncertain due to the absence of conclusive functional and genetic evidence.

CeGaT Center for Human Genetics Tuebingen
Classification: Uncertain significance. Last evaluated: 2025-12-01. Review status: criteria provided, single submitter. Criteria: CeGaT Center For Human Genetics Tuebingen Variant Classification Criteria Version 2. Collection method: clinical testing. Allele origin: germline. Affected: yes. Observed: 1 variant allele.
Comment: SLC22A5: PP3, PP4

First Genomix Gene Laboratory, Genetic Diagnostics Department
Classification: Likely pathogenic for Renal carnitine transport defect. Last evaluated: 2025-09-08. Review status: criteria provided, single submitter. Criteria: ACMG Guidelines, 2015. Collection method: clinical testing. Allele origin: germline. Inheritance: Autosomal recessive inheritance. Affected: no. Observed: 1 variant allele.

Women's Health and Genetics/Laboratory Corporation of America, LabCorp
Classification: Likely pathogenic for Renal carnitine transport defect. Last evaluated: 2025-05-15. Review status: criteria provided, single submitter. Criteria: LabCorp Variant Classification Summary - May 2015. Collection method: clinical testing. Allele origin: germline.
Comment: Variant summary: SLC22A5 c.34G>A (p.Gly12Ser) results in a non-conservative amino acid change in the encoded protein sequence. Algorithms developed to predict the effect of missense changes on protein structure and function all suggest that this variant is likely to be disruptive. The variant allele was found at a frequency of 0.00071 in 249114 control chromosomes in the gnomAD database, including 1 homozygotes. This frequency is not significantly higher than estimated for a pathogenic variant in SLC22A5 causing Systemic Primary Carnitine Deficiency (0.00071 vs 0.0046), allowing no conclusion about variant significance. c.34G>A has been observed in individual(s) affected with Systemic Primary Carnitine Deficiency (Jakoby_2021, internal data). These data indicate that the variant is likely to be associated with disease. At least one publication reports experimental evidence evaluating an impact on protein function. The most pronounced variant effect results in >50%-90% of normal activity (Frigeni_2017, Koleske_2022). The following publications have been ascertained in the context of this evaluation (PMID: 34440436, 28841266, 26350513, 37510298, 34032155, 36343260, 35888728, 20574985, 34637945). ClinVar contains an entry for this variant (Variation ID: 25349). Based on the evidence outlined above, the variant was classified as likely pathogenic.

Blueprint Genetics
Classification: Uncertain significance. Last evaluated: 2024-11-26. Review status: criteria provided, single submitter. Criteria: ACMG Guidelines, 2015. Collection method: clinical testing. Allele origin: germline.

Department of Genetics of Metabolic Diseases, Institute of Medical & Molecular Genetics, Hospital Universitario Hospital La Paz
Classification: Uncertain significance for Renal carnitine transport defect. Last evaluated: 2024-09-01. Review status: criteria provided, single submitter. Criteria: ACMG Guidelines, 2015. Collection method: clinical testing. Allele origin: germline. Inheritance: Autosomal recessive inheritance. Affected: yes.
Comment: The variant NM_003060.3:c.34G>A p.(Gly12Ser) is present at low frequency in gnomAD (0.06953%) and one homozygote has been reported in control populations. Computational prediction tools support a deleterious effect on the gene and functional studies in CHO cells confirm this variant halves OCTN2´s activity (PMID:28841266). This variant has been observed in an individual with abnormal levels of free carnitine consistent with primary carnitine deficiency, carrying this variant along with a second variant of unknown significance (PMID: Hidalgo Mayoral I et al., in press).

Mayo Clinic Laboratories, Mayo Clinic
Classification: Uncertain significance. Last evaluated: 2024-07-19. Review status: criteria provided, single submitter. Criteria: ACMG Guidelines, 2015. Collection method: clinical testing. Allele origin: germline. Observed: 2 variant alleles.
Comment: PP3, PM3

Lildballe Lab, Aarhus University Hospital
Classification: Uncertain significance for Carnitine deficiency. Last evaluated: 2024-03-01. Review status: criteria provided, single submitter. Criteria: ACMG Guidelines, 2015. Collection method: research. Allele origin: germline. Affected: no.
Comment: PM1 (m) PP2(sup) PM2(sup) PP3(sup) PP5(noinf)

Laboratory of Medical Genetics, National & Kapodistrian University of Athens
Classification: Likely pathogenic for Renal carnitine transport defect. Last evaluated: 2024-02-01. Review status: criteria provided, single submitter. Criteria: ACMG Guidelines, 2015. Collection method: curation. Allele origin: germline. Affected: no.

Revvity Omics, Revvity
Classification: Uncertain significance for Renal carnitine transport defect. Last evaluated: 2024-02-01. Review status: criteria provided, single submitter. Criteria: ACMG Guidelines, 2015. Collection method: clinical testing. Allele origin: germline.